The following is an entry in ClinVar:

ClinVar aggregate classification (germline): Uncertain significance (1 of 4 stars; one submission).

Conditions:
Charcot-Marie-Tooth disease type 2. Also called: Charcot-Marie-Tooth type 2. Identifiers: Orphanet 64746, MedGen C0270914, MONDO:0018993.

gnomAD v4.1: 6 of 1,613,888 alleles (0.00037%); highest among the groups gnomAD compares: Admixed American, 0.01%; no homozygotes.

Submission:

Labcorp Genetics (formerly Invitae), Labcorp
Classification: Uncertain significance for Charcot-Marie-Tooth disease type 2. Last evaluated: 2024-10-07. Review status: criteria provided, single submitter. Criteria: Invitae Variant Classification Sherloc (09022015). Collection method: clinical testing. Allele origin: germline.
Comment: This sequence change replaces valine, which is neutral and non-polar, with glycine, which is neutral and non-polar, at codon 286 of the MFN2 protein (p.Val286Gly). This variant is present in population databases (no rsID available, gnomAD 0.01%). This variant has not been reported in the literature in individuals affected with MFN2-related conditions. ClinVar contains an entry for this variant (Variation ID: 2084906). Invitae Evidence Modeling of protein sequence and biophysical properties (such as structural, functional, and spatial information, amino acid conservation, physicochemical variation, residue mobility, and thermodynamic stability) has been performed for this missense variant. However, the output from this modeling did not meet the statistical confidence thresholds required to predict the impact of this variant on MFN2 protein function. In summary, the available evidence is currently insufficient to determine the role of this variant in disease. Therefore, it has been classified as a Variant of Uncertain Significance.

NM_014874.4(MFN2):c.857T>G (p.Val286Gly)

Gene: MFN2 (mitofusin 2; plus strand). Cytogenetic location: 1p36.22.
Variant type: single nucleotide variant.
Coding change: c.857T>G on transcript NM_014874.4 (MANE Select); coding-DNA position 857, T replaced by G.
Protein change: p.Val286Gly; replaces valine 286 with glycine.
Molecular consequence: missense variant.
Genome position (GRCh38, 1-based): chr1:12,001,441, T>G. VCF-style: chr1-12001441-T-G. GRCh37 (hg19) VCF-style: chr1-12061498-T-G.
Other names: c.857T>G, p.Val286Gly (NM_001127660.2); short protein forms V286G.
Identifiers: ClinVar variation 2084906 (VCV002084906.4), dbSNP rs765825496, ClinGen allele CA338441602.
Genomic context (GRCh38, chr1:12,001,441, plus strand): 5'-CACATTTGTTTGGGCTCCAGGTGCGGCGGCAGCACATGGAGCGTTGTACCAGCTTCCTGG[T>G]GGATGAGCTGGGCGTGGTGGATCGATCCCAGGCCGGGGACCGCATCTTCTTTGTGTCTGC-3'
Protein context (NP_055689.1, residues 276-296): QHMERCTSFL[Val286Gly]DELGVVDRSQ